The following is an entry in ClinVar:

ClinVar aggregate classification (germline): Uncertain significance (1 of 4 stars; one submission).

Conditions:
Cockayne syndrome. Identifiers: Orphanet 191, MedGen C0009207, MONDO:0016006.
Xeroderma pigmentosum, group F (XPF). Also called: ERCC4-Related Xeroderma Pigmentosum; XERODERMA PIGMENTOSUM, COMPLEMENTATION GROUP F; XERODERMA PIGMENTOSUM VI; XP, GROUP F; XERODERMA PIGMENTOSUM, TYPE F; Xeroderma pigmentosum, type 6. Identifiers: MedGen C0268140, MONDO:0010215, OMIM 278760.
Fanconi anemia complementation group Q. Identifiers: Orphanet 84, MedGen C3808988, MONDO:0014108, OMIM 615272.

Allele frequency attached by ClinVar (database versions not stated): TOPMed below 0.00001; gnomAD 0.00001.
gnomAD v4.1: 3 of 1,610,976 alleles (0.00019%); highest among the groups gnomAD compares: Non-Finnish European, 0.00025%; no homozygotes.

Submission:

Labcorp Genetics (formerly Invitae), Labcorp
Classification: Uncertain significance for Fanconi anemia complementation group Q; Xeroderma pigmentosum, group F; Cockayne syndrome. Last evaluated: 2022-06-05. Review status: criteria provided, single submitter. Criteria: Invitae Variant Classification Sherloc (09022015). Collection method: clinical testing. Allele origin: germline.
Comment: In summary, the available evidence is currently insufficient to determine the role of this variant in disease. Therefore, it has been classified as a Variant of Uncertain Significance. Algorithms developed to predict the effect of sequence changes on RNA splicing suggest that this variant may create or strengthen a splice site. Algorithms developed to predict the effect of missense changes on protein structure and function are either unavailable or do not agree on the potential impact of this missense change (SIFT: "Tolerated"; PolyPhen-2: "Probably Damaging"; Align-GVGD: "Class C0"). This variant has not been reported in the literature in individuals affected with ERCC4-related conditions. This variant is not present in population databases (gnomAD no frequency). This sequence change replaces glutamic acid, which is acidic and polar, with lysine, which is basic and polar, at codon 70 of the ERCC4 protein (p.Glu70Lys).

NM_005236.3(ERCC4):c.208G>A (p.Glu70Lys)

Gene: ERCC4 (ERCC excision repair 4, endonuclease catalytic subunit; plus strand). Cytogenetic location: 16p13.12.
Variant type: single nucleotide variant.
Coding change: c.208G>A on transcript NM_005236.3 (MANE Select); coding-DNA position 208, G replaced by A.
Protein change: p.Glu70Lys; replaces glutamic acid 70 with lysine.
Molecular consequence: missense variant.
Genome position (GRCh38, 1-based): chr16:13,922,031, G>A. VCF-style: chr16-13922031-G-A. GRCh37 (hg19) VCF-style: chr16-14015888-G-A.
Other names: short protein forms E70K.
Identifiers: ClinVar variation 2167287 (VCV002167287.3), dbSNP rs759518166, ClinGen allele CA394817315.